The following is an entry in ClinVar:

ClinVar aggregate classification (germline): Conflicting classifications of pathogenicity. Review status: criteria provided, conflicting classifications (1 of 4 stars). 3 submissions from 3 submitters: Pathogenic (1); Uncertain significance (2). Last evaluated 2025-07-29.

Conditions:
Alkaptonuria (AKU). Also called: HOMOGENTISIC ACID OXIDASE DEFICIENCY; Alcaptonuria; Homogentisic acidura; Alkaptonuric ochronosis. Identifiers: Orphanet 56, MedGen C0002066, MONDO:0008753, OMIM 203500.

Submissions (3):

First Genomix Gene Laboratory, Genetic Diagnostics Department
Classification: Uncertain significance for Alkaptonuria. Last evaluated: 2025-07-29. Review status: criteria provided, single submitter. Criteria: ACMG Guidelines, 2015. Collection method: clinical testing. Allele origin: germline. Inheritance: Autosomal recessive inheritance. Affected: yes. Observed: 1 variant allele.

Department of Medical Genetics and Pathology, Ardabil University of Medical Sciences
Classification: Uncertain significance for Alkaptonuria. Last evaluated: 2025-03-01. Review status: criteria provided, single submitter. Criteria: ACMG Guidelines, 2015. Collection method: research. Allele origin: germline. Affected: yes. Observed: 8 variant alleles.

Department Of Human Genetics, Institute Of Clinical And Translational Research, Biomedical Research Center, Slovak Academy Of Sciences
Classification: Pathogenic for Alkaptonuria. Review status: criteria provided, single submitter. Criteria: ACMG Guidelines, 2015. Collection method: research. Allele origin: germline. Inheritance: Autosomal recessive inheritance. Affected: yes.
Comment: It has been submitted to the HGD gene mutation database (DB-ID: AKU_00214).

NM_000187.4(HGD):c.342+5G>A

Gene: HGD (homogentisate 1,2-dioxygenase; minus strand). Cytogenetic location: 3q13.33.
Variant type: single nucleotide variant.
Coding change: c.342+5G>A on transcript NM_000187.4 (MANE Select); 5 bases into the intron after coding-DNA position 342, G replaced by A.
Molecular consequence: intron variant.
Genome position (GRCh38, 1-based): chr3:120,652,587, C>T on the plus strand (G>A on the coding strand, the complement: HGD is on the minus strand). VCF-style: chr3-120652587-C-T. GRCh37 (hg19) VCF-style: chr3-120371434-C-T.
Identifiers: ClinVar variation 3774320 (VCV003774320.4).